The following is an entry in ClinVar:

ClinVar aggregate classification (germline): Uncertain significance (3 of 4 stars; one submission).

Conditions:
ABCA4-related retinopathy. Also called: ABCA4 retinoapthy; ABCA4-related retinoapthy. Identifiers: MedGen CN322612, MONDO:0800406.

Submission:

ClinGen ABCA4 Variant Curation Expert Panel, Clingen
Classification: Uncertain significance for ABCA4-related retinopathy. Last evaluated: 2026-03-24. Review status: reviewed by expert panel. Criteria: ClinGen ABCA4 ACMG Specifications V1.0.0. Collection method: curation. Allele origin: germline. Inheritance: Autosomal recessive inheritance.
Comment: The NM_000350.3(ABCA4):c.3243G>T variant in ABCA4 is a missense variant predicted to cause substitution of lysine by asparagine at amino acid 1081; p.Lys1081Asn. This variant is absent from gnomAD v4.1.0 (PM2_Supporting). The computational predictor REVEL gives a score of 0.763 which is in the range of 0.644-0.772, evidence that predicts a damaging effect on ABCA4 function (PP3). At least one proband under 18 years of age with variant has presence of at least two ABCA4 variants meeting phenotype criteria for highly specific for ABCA4-related retinopathy (PP4; PMIDs: 29555955, 32646556). At least 1 additional proband with ABCA4-related retinopathy was compound heterozygous for the variant and a pathogenic variant (c.3098del; p.Lys1033SerfsTer?) with unknown phase (PM3_Supporting; PMIDs:29555955, 32646556). In summary, this variant meets the criteria to be classified as a variant of uncertain significance for ABCA4-related retinopathy based on the ACMG/AMP criteria applied, as specified by the ClinGen ABCA4 VCEP (Specification Version 1.0.0): PP4, PM3_Supporting, PM2_Supporting, PP3.

NM_000350.3(ABCA4):c.3243G>T (p.Lys1081Asn)

Gene: ABCA4 (ATP binding cassette subfamily A member 4; minus strand). Cytogenetic location: 1p22.1.
Variant type: single nucleotide variant.
Coding change: c.3243G>T on transcript NM_000350.3 (MANE Select); coding-DNA position 3243, G replaced by T.
Protein change: p.Lys1081Asn; replaces lysine 1081 with asparagine.
Molecular consequence: missense variant.
Genome position (GRCh38, 1-based): chr1:94,042,846, C>A on the plus strand (G>T on the coding strand, the complement: ABCA4 is on the minus strand). VCF-style: chr1-94042846-C-A. GRCh37 (hg19) VCF-style: chr1-94508402-C-A.
Other names: NM_000350.3:c.3243G>T; c.3021G>T, p.Lys1007Asn (NM_001425324.1); short protein forms K1007N, K1081N.
Identifiers: ClinVar variation 4849236 (VCV004849236.1).